The following is an entry in ClinVar:

ClinVar aggregate classification (germline): Likely pathogenic (1 of 4 stars; one submission).

Conditions:
LAMA3-related disorder. Also called: LAMA3-related disorders; LAMA3-related condition.

gnomAD v4.1: 1 of 1,614,072 alleles (0.000062%); highest among the groups gnomAD compares: Non-Finnish European, 0.000085%; no homozygotes.

Submission:

PreventionGenetics, part of Exact Sciences
Classification: Likely pathogenic for LAMA3-related condition. Last evaluated: 2024-11-12. Review status: criteria provided, single submitter. Criteria: ACMG Guidelines, 2015. Collection method: clinical testing. Allele origin: germline.
Comment: The LAMA3 c.4815G>C variant is predicted to result in the amino acid substitution p.Lys1605Asn. This variant resides in the last nucleotide of exon 35, and based on available splicing prediction programs (Alamut Visual v1.6.1; SpliceAI, Jaganathan et al. 2019. PubMed ID: 30661751) it is predicted to weaken the canonical splice donor site. To our knowledge, this variant has not been reported in the literature or in a large population database (gnomAD), indicating this variant is rare. An alternative nucleotide change resulting in the same amino acid substitution (c.4815G>T, p.Lys1605Asn) has been reported in the homozygous state in an infant with junctional epidermolysis bullosa and two other affected family members (reported as K1594N in family 7, Nakano et al. 2002. PubMed ID: 11907499). Variants that disrupt the consensus splice donor site in LAMA3 are expected to be pathogenic. In summary, the c.4815G>C (p.Lys1605Asn) variant is interpreted as likely pathogenic.

NM_198129.4(LAMA3):c.9642G>C (p.Lys3214Asn)

Gene: LAMA3 (laminin subunit alpha 3; plus strand). Cytogenetic location: 18q11.2.
Variant type: single nucleotide variant.
Coding change: c.9642G>C on transcript NM_198129.4 (MANE Select); coding-DNA position 9642, G replaced by C.
Protein change: p.Lys3214Asn; replaces lysine 3214 with asparagine.
Molecular consequence: missense variant.
Genome position (GRCh38, 1-based): chr18:23,950,159, G>C. VCF-style: chr18-23950159-G-C. GRCh37 (hg19) VCF-style: chr18-21530123-G-C.
Other names: c.4815G>C, p.Lys1605Asn (NM_000227.6); c.9474G>C, p.Lys3158Asn (NM_001127717.4); c.4647G>C, p.Lys1549Asn (NM_001127718.4); short protein forms K1549N, K1605N, K3158N, K3214N.
Identifiers: ClinVar variation 5002146 (VCV005002146.1).